The following is an entry in ClinVar:

ClinVar aggregate classification (germline): Uncertain significance (1 of 4 stars; one submission).

gnomAD v4.1: 1 of 1,606,336 alleles (0.000062%); highest among the groups gnomAD compares: African/African-American, 0.0013%; no homozygotes.

Submission:

Mayo Clinic Laboratories, Mayo Clinic
Classification: Uncertain significance. Last evaluated: 2021-12-28. Review status: criteria provided, single submitter. Criteria: ACMG Guidelines, 2015. Collection method: clinical testing. Allele origin: germline. Observed: 1 variant allele.
Comment: PM2

NM_139318.5(KCNH5):c.106G>A (p.Val36Met)

Gene: KCNH5 (potassium voltage-gated channel subfamily H member 5; minus strand). Cytogenetic location: 14q23.2.
Variant type: single nucleotide variant.
Coding change: c.106G>A on transcript NM_139318.5 (MANE Select); coding-DNA position 106, G replaced by A.
Protein change: p.Val36Met; replaces valine 36 with methionine.
Molecular consequence: missense variant.
Genome position (GRCh38, 1-based): chr14:63,016,922, C>T on the plus strand (G>A on the coding strand, the complement: KCNH5 is on the minus strand). VCF-style: chr14-63016922-C-T. GRCh37 (hg19) VCF-style: chr14-63483640-C-T.
Other names: p.Val36Met; c.106G>A, p.Val36Met (NM_172375.3); short protein forms V36M.
Identifiers: ClinVar variation 2683254 (VCV002683254.1), dbSNP rs138796167, ClinGen allele CA390106463.